The following is an entry in ClinVar:

NC_012920.1(MT-ND5):m.13183A>G

Gene: MT-ND5 (mitochondrially encoded NADH dehydrogenase 5; plus strand).
Variant type: single nucleotide variant.
Genome position: chrM-13183-A-G.
Identifiers: ClinVar variation 693532 (VCV000693532.1), dbSNP rs879155747, ClinGen allele CA337099647.

ClinVar aggregate classification (germline): Benign (1 of 4 stars; one submission).

Conditions:
Leigh syndrome (NULS). Also called: Leigh's necrotizing encephalopathy; Leigh's disease; Leigh Syndrome (mtDNA deletion); Leigh Disease; Subacute necrotizing encephalopathy; Necrotizing encephalopathy infantile subacute of Leigh. Identifiers: Orphanet 506, MedGen C2931891, MONDO:0009723, OMIM 256000.

Submission:

Wong Mito Lab, Molecular and Human Genetics, Baylor College of Medicine
Classification: Benign for Leigh syndrome. Last evaluated: 2019-10-17. Review status: criteria provided, single submitter. Criteria: Modified ACMG Guidelines (Unpublished). Collection method: clinical testing. Allele origin: germline.
Comment: The NC_012920.1:m.13183A>G (YP_003024036.1:p.Ile283Val) variant in MTND5 gene is interpretated to be a Benign variant based on the modified ACMG guidelines (unpublished). This variant meets the following evidence codes: BS1, BS2, BP4